The following is an entry in ClinVar:

ClinVar aggregate classification (germline): Pathogenic/Likely pathogenic. Review status: criteria provided, multiple submitters, no conflicts (2 of 4 stars). 3 submissions from 3 submitters: Pathogenic (1); Likely pathogenic (2). Last evaluated 2024-02-22.

Conditions:
Dilated cardiomyopathy 1G (CMD1G). Identifiers: Orphanet 154, MedGen C1858763, MONDO:0011400, OMIM 604145.
Autosomal recessive limb-girdle muscular dystrophy type 2J (LGMDR10). Also called: Limb-girdle muscular dystrophy, type 2J; MUSCULAR DYSTROPHY, LIMB-GIRDLE, AUTOSOMAL RECESSIVE 10. Identifiers: Orphanet 140922, MedGen C1837342, MONDO:0012127, OMIM 608807.
Cardiovascular phenotype. Identifiers: MedGen CN230736.

Submissions (3):

Labcorp Genetics (formerly Invitae), Labcorp
Classification: Likely pathogenic for Dilated cardiomyopathy 1G; Autosomal recessive limb-girdle muscular dystrophy type 2J. Last evaluated: 2024-02-22. Review status: criteria provided, single submitter. Criteria: Invitae Variant Classification Sherloc (09022015). Collection method: clinical testing. Allele origin: germline.
Comment: This sequence change creates a premature translational stop signal (p.Gly21430Alafs*2) in the TTN gene. While this is not anticipated to result in nonsense mediated decay, it is expected to create a truncated TTN protein. This variant is not present in population databases (gnomAD no frequency). This premature translational stop signal has been observed in individual(s) with nonischemic dilated cardiomyopathy (PMID: 32998006). ClinVar contains an entry for this variant (Variation ID: 860144). This variant is located in the A band of TTN (PMID: 25589632). Truncating variants in this region are significantly overrepresented in patients affected with dilated cardiomyopathy (PMID: 25589632). Truncating variants in this region have also been reported in individuals affected with autosomal recessive centronuclear myopathy (PMID: 23975875). In summary, the currently available evidence indicates that the variant is pathogenic, but additional data are needed to prove that conclusively. Therefore, this variant has been classified as Likely Pathogenic.

GeneDx
Classification: Pathogenic. Last evaluated: 2023-05-04. Review status: criteria provided, single submitter. Criteria: GeneDx Variant Classification Process June 2021. Collection method: clinical testing. Allele origin: germline. Affected: yes.
Comment: Identified in patients with DCM referred for genetic testing at GeneDx and in published literature (Anderson et al., 2020); Not observed at significant frequency in large population cohorts (gnomAD); Frameshift variant predicted to result in protein truncation or nonsense mediated decay in a gene for which loss of function is a known mechanism of disease; Located in the A-band region of TTN in which the majority of loss of function variants have been associated with autosomal dominant titinopathies (Herman et al., 2012); This variant is associated with the following publications: (PMID: 32998006)

Ambry Genetics
Classification: Likely pathogenic for Cardiovascular phenotype. Last evaluated: 2021-03-26. Review status: criteria provided, single submitter. Criteria: Ambry Variant Classification Scheme 2023. Collection method: clinical testing. Allele origin: germline.
Comment: The c.37092delT variant, located in coding exon 135 of the TTN gene, results from a deletion of one nucleotide at nucleotide position 37092, causing a translational frameshift with a predicted alternate stop codon (p.G12365Afs*2). This exon is located in the A-band region of the N2-B isoform of the titin protein and is constitutively expressed in TTN transcripts (percent spliced in or PSI 100%). This alteration is expected to result in loss of function by premature protein truncation or nonsense-mediated mRNA decay. While truncating variants in TTN are present in 1-3% of the general population, truncating variants in the A-band are the most common cause of dilated cardiomyopathy (DCM) (Herman DS et al. N. Engl. J. Med., 2012 Feb;366:619-28; Roberts AM et al. Sci Transl Med, 2015 Jan;7:270ra6). TTN truncating variants encoded in constitutive exons (PSI >90%) have been found to be significantly associated with DCM regardless of their position in titin (Schafer S et al. Nat. Genet., 2017 01;49:46-53). As such, this alteration is classified as likely pathogenic.

Literature cited by the submitters: PubMed 32998006 (cited by Labcorp Genetics (formerly Invitae), Labcorp); PubMed 25589632 (cited by Labcorp Genetics (formerly Invitae), Labcorp); PubMed 23975875 (cited by Labcorp Genetics (formerly Invitae), Labcorp).

NM_001267550.2(TTN):c.64287del (p.Gly21430fs)

Genes: TTN (titin; minus strand), TTN-AS1 (TTN antisense RNA 1; plus strand). Cytogenetic location: 2q31.2.
Variant type: Deletion.
Coding change: c.64287del on transcript NM_001267550.2 (MANE Select); coding-DNA position 64287, one base deleted (T; older notation c.64287delT).
Protein change: p.Gly21430fs; shifts the reading frame from glycine 21430.
Molecular consequence: frameshift variant.
Genome position (GRCh38, 1-based): chr2:178,586,614, A deleted on the plus strand (T on the coding strand, the reverse complement: TTN is on the minus strand). VCF-style (leftmost placement, unchanged base first): chr2-178586613-CA-C. GRCh37 (hg19) VCF-style: chr2-179451340-CA-C.
Other names: c.59364del, p.Gly19789fs (NM_001256850.1); c.37092del, p.Gly12365fs (NM_003319.4); c.56583del, p.Gly18862fs (NM_133378.4); c.37467del, p.Gly12490fs (NM_133432.3); c.37668del, p.Gly12557fs (NM_133437.4); c.64287del (NM_001267550.1); c.37092delT (NM_003319.4); short protein forms G12490fs, G12365fs, G21430fs, G12557fs, G18862fs, G19789fs.
Identifiers: ClinVar variation 860144 (VCV000860144.12), dbSNP rs2049038862, ClinGen allele CA916081369.